The following is an entry in ClinVar:

ClinVar aggregate classification (germline): Likely pathogenic (1 of 4 stars; one submission).

Conditions:
Developmental and epileptic encephalopathy, 59. Also called: Early infantile epileptic encephalopathy 59. Identifiers: MedGen C4693550, MONDO:0033368, OMIM 617904.

Submission:

3billion
Classification: Likely pathogenic for Developmental and epileptic encephalopathy, 59. Last evaluated: 2025-03-28. Review status: criteria provided, single submitter. Criteria: ACMG Guidelines, 2015. Collection method: clinical testing. Allele origin: germline. Affected: yes.
Comment: The variant is not observed in the gnomAD v4.1.0 dataset. Predicted Consequence/Location: Missense changes are a common disease-causing mechanism. In silico tool predictions suggest damaging effect of the variant on gene or gene product [REVEL: 0.77 (>=0.6, sensitivity 0.68 and specificity 0.92)]. The variant has been previously reported as de novo in a similarly affected individual (PMID: 33057194). A different missense change at the same codon (p.Thr575Asn) has been reported to be associated with GABBR2-related disorder (ClinVar ID: VCV002431990). Therefore, this variant is classified as Likely pathogenic according to the recommendation of ACMG/AMP guideline.

Literature cited by the submitters: PubMed 33057194.

NM_005458.8(GABBR2):c.1723A>T (p.Thr575Ser)

Gene: GABBR2 (gamma-aminobutyric acid type B receptor subunit 2; minus strand). Cytogenetic location: 9q22.33.
Variant type: single nucleotide variant.
Coding change: c.1723A>T on transcript NM_005458.8 (MANE Select); coding-DNA position 1723, A replaced by T.
Protein change: p.Thr575Ser; replaces threonine 575 with serine.
Molecular consequence: missense variant.
Genome position (GRCh38, 1-based): chr9:98,371,511, T>A on the plus strand (A>T on the coding strand, the complement: GABBR2 is on the minus strand). VCF-style: chr9-98371511-T-A. GRCh37 (hg19) VCF-style: chr9-101133793-T-A.
Other names: short protein forms T575S.
Identifiers: ClinVar variation 4072293 (VCV004072293.1).